The following is an entry in ClinVar:

ClinVar aggregate classification (germline): Uncertain significance. Review status: criteria provided, multiple submitters, no conflicts (2 of 4 stars). 3 submissions from 3 submitters: Uncertain significance (3). Last evaluated 2025-07-11.

Conditions:
Hereditary cancer-predisposing syndrome. Also called: Neoplastic Syndromes, Hereditary; Hereditary Cancer Syndrome; Tumor predisposition; Hereditary neoplastic syndrome. Identifiers: Orphanet 140162, MedGen C0027672, MeSH D009386, MONDO:0015356.
Hereditary pheochromocytoma and paraganglioma. Also called: Hereditary Paraganglioma-Pheochromocytoma Syndromes; Hereditary paragangliomas and pheochromocytomas; Hereditary pheochromocytoma-paraganglioma. Identifiers: Orphanet 29072, MedGen C4274332, MONDO:0017366.

Allele frequency attached by ClinVar (database versions not stated): gnomAD 0.00001; gnomAD exomes 0.00001; TOPMed 0.00002.
gnomAD v4.1: 5 of 1,598,052 alleles (0.00031%); highest among the groups gnomAD compares: African/African-American, 0.0027%; no homozygotes.

Submissions (3):

Ambry Genetics
Classification: Uncertain significance for Hereditary cancer-predisposing syndrome. Last evaluated: 2025-07-11. Review status: criteria provided, single submitter. Criteria: Ambry Variant Classification Scheme 2023. Collection method: clinical testing. Allele origin: germline.
Comment: The p.L48P variant (also known as c.143T>C), located in coding exon 1 of the TMEM127 gene, results from a T to C substitution at nucleotide position 143. The leucine at codon 48 is replaced by proline, an amino acid with similar properties. This amino acid position is highly conserved in available vertebrate species. In addition, this alteration is predicted to be deleterious by in silico analysis. Since supporting evidence is limited at this time, the clinical significance of this alteration remains unclear.

GeneDx
Classification: Uncertain significance. Last evaluated: 2025-02-11. Review status: criteria provided, single submitter. Criteria: GeneDx Variant Classification Process June 2021. Collection method: clinical testing. Allele origin: germline. Affected: yes.
Comment: Not observed at significant frequency in large population cohorts (gnomAD); In silico analysis supports that this missense variant has a deleterious effect on protein structure/function; Has not been previously published as pathogenic or benign to our knowledge

Labcorp Genetics (formerly Invitae), Labcorp
Classification: Uncertain significance for Hereditary pheochromocytoma and paraganglioma. Last evaluated: 2024-07-16. Review status: criteria provided, single submitter. Criteria: Invitae Variant Classification Sherloc (09022015). Collection method: clinical testing. Allele origin: germline.
Comment: This sequence change replaces leucine, which is neutral and non-polar, with proline, which is neutral and non-polar, at codon 48 of the TMEM127 protein (p.Leu48Pro). The frequency data for this variant in the population databases is considered unreliable, as metrics indicate poor data quality at this position in the gnomAD database. This variant has not been reported in the literature in individuals affected with TMEM127-related conditions. ClinVar contains an entry for this variant (Variation ID: 532506). An algorithm developed to predict the effect of missense changes on protein structure and function (PolyPhen-2) suggests that this variant is likely to be disruptive. In summary, the available evidence is currently insufficient to determine the role of this variant in disease. Therefore, it has been classified as a Variant of Uncertain Significance.

NM_017849.4(TMEM127):c.143T>C (p.Leu48Pro)

Gene: TMEM127 (transmembrane protein 127; minus strand). Cytogenetic location: 2q11.2.
Variant type: single nucleotide variant.
Coding change: c.143T>C on transcript NM_017849.4 (MANE Select); coding-DNA position 143, T replaced by C.
Protein change: p.Leu48Pro; replaces leucine 48 with proline.
Molecular consequence: missense variant.
Genome position (GRCh38, 1-based): chr2:96,265,239, A>G on the plus strand (T>C on the coding strand, the complement: TMEM127 is on the minus strand). VCF-style: chr2-96265239-A-G. GRCh37 (hg19) VCF-style: chr2-96930977-A-G.
Other names: c.143T>C, p.Leu48Pro (NM_001193304.3); short protein forms L48P.
Identifiers: ClinVar variation 532506 (VCV000532506.17), dbSNP rs1219876266, ClinGen allele CA347656032.